The following is an entry in ClinVar:

NM_001330360.2(POLA1):c.322G>T (p.Asp108Tyr)

Gene: POLA1 (DNA polymerase alpha 1, catalytic subunit; plus strand). Cytogenetic location: Xp22.11.
Variant type: single nucleotide variant.
Coding change: c.322G>T on transcript NM_001330360.2 (MANE Select); coding-DNA position 322, G replaced by T.
Protein change: p.Asp108Tyr; replaces aspartic acid 108 with tyrosine.
Molecular consequence: missense variant. On other transcripts: non-coding transcript variant (2).
Genome position (GRCh38, 1-based): chrX:24,704,445, G>T. VCF-style: chrX-24704445-G-T. GRCh37 (hg19) VCF-style: chrX-24722562-G-T.
Other names: c.304G>T (NM_016937.3); c.322G>T, p.Asp108Tyr (NM_001378303.1); c.304G>T, p.Asp102Tyr (NM_016937.4); short protein forms D102Y, D108Y.
Identifiers: ClinVar variation 1942853 (VCV001942853.7), dbSNP rs777353124, ClinGen allele CA10372750.

ClinVar aggregate classification (germline): Uncertain significance. Review status: criteria provided, multiple submitters, no conflicts (2 of 4 stars). 2 submissions from 2 submitters: Uncertain significance (2). Last evaluated 2026-03-11.

Allele frequency attached by ClinVar (database versions not stated): ExAC 0.00001.
gnomAD v4.1: 9 of 1,189,501 alleles (0.00076%); highest among the groups gnomAD compares: South Asian, 0.0089%; no homozygotes.

Submissions (2):

GeneDx
Classification: Uncertain significance. Last evaluated: 2026-03-11. Review status: criteria provided, single submitter. Criteria: GeneDx Variant Classification Process June 2021. Collection method: clinical testing. Allele origin: germline.
Comment: Reported previously in a patient with immune dysregulation suggesting IPEX-like disease; however, no further clinical or segregation information was provided (PMID: 33864888); In silico analysis supports that this missense variant has a deleterious effect on protein structure/function; This variant is associated with the following publications: (PMID: 33864888)

Labcorp Genetics (formerly Invitae), Labcorp
Classification: Uncertain significance. Last evaluated: 2024-07-17. Review status: criteria provided, single submitter. Criteria: Invitae Variant Classification Sherloc (09022015). Collection method: clinical testing. Allele origin: germline.
Comment: This sequence change replaces aspartic acid, which is acidic and polar, with tyrosine, which is neutral and polar, at codon 102 of the POLA1 protein (p.Asp102Tyr). This variant is present in population databases (rs777353124, gnomAD 0.02%). This missense change has been observed in individual(s) with autoinflammatory disorders (PMID: 33864888). ClinVar contains an entry for this variant (Variation ID: 1942853). Advanced modeling of protein sequence and biophysical properties (such as structural, functional, and spatial information, amino acid conservation, physicochemical variation, residue mobility, and thermodynamic stability) has been performed at Invitae for this missense variant, however the output from this modeling did not meet the statistical confidence thresholds required to predict the impact of this variant on POLA1 protein function. In summary, the available evidence is currently insufficient to determine the role of this variant in disease. Therefore, it has been classified as a Variant of Uncertain Significance.

Literature cited by the submitters: PubMed 33864888 (cited by Labcorp Genetics (formerly Invitae), Labcorp).